The following is an entry in ClinVar:

NM_206933.4(USH2A):c.3730C>T (p.Gln1244Ter)

Genes: USH2A (usherin; minus strand), USH2A-AS1 (USH2A antisense RNA 1; plus strand). Cytogenetic location: 1q41.
Variant type: single nucleotide variant.
Coding change: c.3730C>T on transcript NM_206933.4 (MANE Select); coding-DNA position 3730, C replaced by T.
Protein change: p.Gln1244Ter; replaces glutamine 1244 with a stop codon.
Molecular consequence: nonsense.
Genome position (GRCh38, 1-based): chr1:216,199,708, G>A on the plus strand (C>T on the coding strand, the complement: USH2A is on the minus strand). VCF-style: chr1-216199708-G-A. GRCh37 (hg19) VCF-style: chr1-216373050-G-A.
Other names: c.3730C>T, p.Gln1244Ter (NM_007123.6); short protein forms Q1244*.
Identifiers: ClinVar variation 1708278 (VCV001708278.9), dbSNP rs2528045584, ClinGen allele CA344867812.
Genomic context (GRCh38, chr1:216,199,708, plus strand): 5'-ACCATTCTACATGAAGTTCTGTAGAACTGATTTTCTGCATCTTAGGTGGACTTAGTCTTT[G>A]GGGAGGGGCCTGGGCTGTGGTCACTGTAATGGGCAAGCTGTGTAAACAGCCCCCGCTAGT-3'

ClinVar aggregate classification (germline): Pathogenic. Review status: criteria provided, multiple submitters, no conflicts (2 of 4 stars). 3 submissions from 3 submitters: Pathogenic (3). Last evaluated 2023-11-04.

Conditions:
Retinitis pigmentosa 39 (RP39). Identifiers: Orphanet 791, MedGen C3151138, MONDO:0013436, OMIM 613809.

Allele frequency attached by ClinVar (database versions not stated): gnomAD exomes below 0.00001.
gnomAD v4.1: 1 of 1,614,058 alleles (0.000062%); highest among the groups gnomAD compares: Non-Finnish European, 0.000085%; no homozygotes.

Submissions (3):

Genome-Nilou Lab
Classification: Pathogenic for Retinitis pigmentosa 39. Last evaluated: 2023-11-04. Review status: criteria provided, single submitter. Criteria: ACMG Guidelines, 2015. Collection method: clinical testing. Allele origin: germline. Affected: no.

Labcorp Genetics (formerly Invitae), Labcorp
Classification: Pathogenic. Last evaluated: 2022-01-07. Review status: criteria provided, single submitter. Criteria: Invitae Variant Classification Sherloc (09022015). Collection method: clinical testing. Allele origin: germline.
Comment: This sequence change creates a premature translational stop signal (p.Gln1244*) in the USH2A gene. It is expected to result in an absent or disrupted protein product. Loss-of-function variants in USH2A are known to be pathogenic (PMID: 10729113, 10909849, 20507924, 25649381). For these reasons, this variant has been classified as Pathogenic. This variant has not been reported in the literature in individuals affected with USH2A-related conditions. This variant is not present in population databases (gnomAD no frequency).

Centre of Medical Genetics, University Hospital Muenster
Classification: Pathogenic. Last evaluated: 2021-12-04. Review status: criteria provided, single submitter. Criteria: ACMG Guidelines, 2015. Collection method: clinical testing. Allele origin: unknown. Affected: yes. Observed: 1 variant allele, 1 heterozygote.
Comment: ACMG categories: PVS1,PM2,PP4

Literature cited by the submitters: PubMed 10729113 (cited by Labcorp Genetics (formerly Invitae), Labcorp); PubMed 10909849 (cited by Labcorp Genetics (formerly Invitae), Labcorp); PubMed 20507924 (cited by Labcorp Genetics (formerly Invitae), Labcorp); PubMed 25649381 (cited by Labcorp Genetics (formerly Invitae), Labcorp).